The following is an entry in ClinVar:

NM_000222.3(KIT):c.2128A>G (p.Lys710Glu)

Gene: KIT (KIT proto-oncogene, receptor tyrosine kinase; plus strand). Cytogenetic location: 4q12.
Variant type: single nucleotide variant.
Coding change: c.2128A>G on transcript NM_000222.3 (MANE Select); coding-DNA position 2128, A replaced by G.
Protein change: p.Lys710Glu; replaces lysine 710 with glutamic acid.
Molecular consequence: missense variant.
Genome position (GRCh38, 1-based): chr4:54,729,472, A>G. VCF-style: chr4-54729472-A-G. GRCh37 (hg19) VCF-style: chr4-55595638-A-G.
Other names: c.2116A>G, p.Lys706Glu (NM_001093772.2, NM_001385286.1); c.2131A>G, p.Lys711Glu (NM_001385284.1, NM_001385290.1); c.2128A>G, p.Lys710Glu (NM_001385285.1); c.2119A>G, p.Lys707Glu (NM_001385288.1, NM_001385292.1); short protein forms K706E, K707E, K711E, K710E.
Identifiers: ClinVar variation 4746862 (VCV004746862.1).

ClinVar aggregate classification (germline): Uncertain significance (1 of 4 stars; one submission).

Conditions:
Gastrointestinal stromal tumor. Also called: Gastrointestinal stromal tumor, somatic; Gastrointestinal stroma tumor. Identifiers: Orphanet 44890, MedGen C0238198, MeSH D046152, MONDO:0011719, OMIM 606764, HP:0100723.

Submission:

Labcorp Genetics (formerly Invitae), Labcorp
Classification: Uncertain significance for Gastrointestinal stromal tumor. Last evaluated: 2025-04-22. Review status: criteria provided, single submitter. Criteria: Invitae Variant Classification Sherloc (09022015). Collection method: clinical testing. Allele origin: germline.
Comment: This sequence change replaces lysine, which is basic and polar, with glutamic acid, which is acidic and polar, at codon 710 of the KIT protein (p.Lys710Glu). This variant is not present in population databases (gnomAD no frequency). This variant has not been reported in the literature in individuals affected with KIT-related conditions. An algorithm developed to predict the effect of missense changes on protein structure and function (PolyPhen-2) suggests that this variant is likely to be disruptive. In summary, the available evidence is currently insufficient to determine the role of this variant in disease. Therefore, it has been classified as a Variant of Uncertain Significance.